The following is an entry in ClinVar:

ClinVar aggregate classification (germline): Uncertain significance (1 of 4 stars; one submission).

Submission:

Labcorp Genetics (formerly Invitae), Labcorp
Classification: Uncertain significance. Last evaluated: 2025-10-31. Review status: criteria provided, single submitter. Criteria: Invitae Variant Classification Sherloc (09022015). Collection method: clinical testing. Allele origin: germline.
Comment: This sequence change replaces glutamic acid, which is acidic and polar, with glycine, which is neutral and non-polar, at codon 174 of the MRPL40 protein (p.Glu174Gly). Information on the frequency of this variant in the gnomAD database is not available, as this variant may be reported differently in the database. This variant has not been reported in the literature in individuals affected with MRPL40-related conditions. An algorithm developed to predict the effect of missense changes on protein structure and function (PolyPhen-2) suggests that this variant is likely to be disruptive. In summary, the available evidence is currently insufficient to determine the role of this variant in disease. Therefore, it has been classified as a Variant of Uncertain Significance.

NM_003776.4(MRPL40):c.521_522delinsGC (p.Glu174Gly)

Gene: MRPL40 (mitochondrial ribosomal protein L40; plus strand). Cytogenetic location: 22q11.21.
Variant type: Indel.
Coding change: c.521_522delinsGC on transcript NM_003776.4 (MANE Select); coding-DNA positions 521 to 522, AA replaced by GC.
Protein change: p.Glu174Gly; replaces glutamic acid 174 with glycine.
Molecular consequence: missense variant.
Genome position (GRCh38, 1-based): chr22:19,435,862-19,435,863, AA replaced by GC. VCF-style: chr22-19435862-AA-GC. GRCh37 (hg19) VCF-style: chr22-19423385-AA-GC.
Other names: c.389_390delinsGC, p.Glu130Gly (NM_001318151.2); short protein forms E130G, E174G.
Identifiers: ClinVar variation 4806349 (VCV004806349.1).